The following is an entry in ClinVar:

ClinVar aggregate classification (germline): Uncertain significance (1 of 4 stars; one submission).

Submission:

GeneDx
Classification: Uncertain significance. Last evaluated: 2023-11-11. Review status: criteria provided, single submitter. Criteria: GeneDx Variant Classification Process June 2021. Collection method: clinical testing. Allele origin: germline. Affected: yes.
Comment: Not observed at significant frequency in large population cohorts (gnomAD); In silico analysis supports that this missense variant has a deleterious effect on protein structure/function; Has not been previously published as pathogenic or benign to our knowledge

NM_015425.6(POLR1A):c.3772A>T (p.Asn1258Tyr)

Genes: POLR1A (RNA polymerase I subunit A; minus strand), LOC106783498 (conserved acetylation island sequence 34 enhancer; plus strand). Cytogenetic location: 2p11.2.
Variant type: single nucleotide variant.
Coding change: c.3772A>T on transcript NM_015425.6 (MANE Select); coding-DNA position 3772, A replaced by T.
Protein change: p.Asn1258Tyr; replaces asparagine 1258 with tyrosine.
Molecular consequence: missense variant.
Genome position (GRCh38, 1-based): chr2:86,039,431, T>A on the plus strand (A>T on the coding strand, the complement: POLR1A is on the minus strand). VCF-style: chr2-86039431-T-A. GRCh37 (hg19) VCF-style: chr2-86266554-T-A.
Other names: short protein forms N1258Y.
Identifiers: ClinVar variation 3364286 (VCV003364286.1).